The following is an entry in ClinVar:

ClinVar aggregate classification (germline): Conflicting classifications of pathogenicity. Review status: criteria provided, conflicting classifications (1 of 4 stars). 2 submissions from 2 submitters: Pathogenic (1); Uncertain significance (1). Last evaluated 2025-12-20.

Conditions:
Cerebral arteriopathy, autosomal dominant, with subcortical infarcts and leukoencephalopathy, type 1 (CADASIL1). Also called: CASIL; CADASIL 1; DEMENTIA, HEREDITARY MULTIINFARCT TYPE; Cerebral arteriopathy with subcortical infarcts and leukoencephalopathy 1. Identifiers: Orphanet 136, MedGen C4551768, MONDO:0000914, OMIM 125310.
Lateral meningocele syndrome (LMNS). Also called: NOTCH3-Related Lateral Meningocele Syndrome. Identifiers: Orphanet 2789, MedGen C1851710, MONDO:0007537, OMIM 130720.

Submissions (2):

Labcorp Genetics (formerly Invitae), Labcorp
Classification: Uncertain significance. Last evaluated: 2025-12-20. Review status: criteria provided, single submitter. Criteria: Invitae Variant Classification Sherloc (09022015). Collection method: clinical testing. Allele origin: germline.
Comment: This sequence change replaces glycine, which is neutral and non-polar, with cysteine, which is neutral and slightly polar, at codon 1058 of the NOTCH3 protein (p.Gly1058Cys). This variant is not present in population databases (gnomAD no frequency). This missense change has been observed in individual(s) with cerebral arteriopathy with subcortical infarcts and leukoencephalopathy (PMID: 11755616, 24139282, 34741685, 37237429). This variant is also known as G1063C. ClinVar contains an entry for this variant (Variation ID: 1807354). Invitae Evidence Modeling of protein sequence and biophysical properties (such as structural, functional, and spatial information, amino acid conservation, physicochemical variation, residue mobility, and thermodynamic stability) indicates that this missense variant is expected to disrupt NOTCH3 protein function with a positive predictive value of 95%. In summary, the available evidence is currently insufficient to determine the role of this variant in disease. Therefore, it has been classified as a Variant of Uncertain Significance.

Athena Diagnostics
Classification: Pathogenic. Last evaluated: 2022-07-02. Review status: criteria provided, single submitter. Criteria: Athena Diagnostics Criteria. Collection method: clinical testing. Allele origin: unknown.
Comment: This variant has been identified in at least one individual with clinical features of CADASIL. This variant has not been reported in large, multi-ethnic general populations. This variant alters a critical location within the protein, and is expected to severely affect function and cause disease. Greater than 90% of pathogenic variants identified in NOTCH3 involve the gain or loss of a cysteine residue within the epidermal growth factor (EGF)-like repeat domain.

Literature cited by the submitters: PubMed 11755616 (cited by Labcorp Genetics (formerly Invitae), Labcorp and Athena Diagnostics); PubMed 24139282 (cited by Labcorp Genetics (formerly Invitae), Labcorp and Athena Diagnostics); PubMed 34741685 (cited by Labcorp Genetics (formerly Invitae), Labcorp); PubMed 37237429 (cited by Labcorp Genetics (formerly Invitae), Labcorp).

NM_000435.3(NOTCH3):c.3172G>T (p.Gly1058Cys)

Gene: NOTCH3 (notch receptor 3; minus strand). Cytogenetic location: 19p13.12.
Variant type: single nucleotide variant.
Coding change: c.3172G>T on transcript NM_000435.3 (MANE Select); coding-DNA position 3172, G replaced by T.
Protein change: p.Gly1058Cys; replaces glycine 1058 with cysteine.
Molecular consequence: missense variant.
Genome position (GRCh38, 1-based): chr19:15,180,227, C>A on the plus strand (G>T on the coding strand, the complement: NOTCH3 is on the minus strand). VCF-style: chr19-15180227-C-A. GRCh37 (hg19) VCF-style: chr19-15291038-C-A.
Other names: short protein forms G1058C.
Identifiers: ClinVar variation 1807354 (VCV001807354.5), dbSNP rs2512644040, ClinGen allele CA404513887.